The following is an entry in ClinVar:

ClinVar aggregate classification (germline): Uncertain significance (1 of 4 stars; one submission).

Conditions:
Progressive myoclonic epilepsy type 3. Also called: KCTD7-Related Progressive Myoclonic Epilepsy; EPILEPSY, PROGRESSIVE MYOCLONIC, 3, WITHOUT INTRACELLULAR INCLUSIONS; EPILEPSY, PROGRESSIVE MYOCLONIC, 3, WITH OR WITHOUT INTRACELLULAR INCLUSIONS; CEROID LIPOFUSCINOSIS, NEURONAL, 14. Identifiers: Orphanet 263516, MedGen C2673257, MONDO:0012721, OMIM 611726.

Submission:

Labcorp Genetics (formerly Invitae), Labcorp
Classification: Uncertain significance for Progressive myoclonic epilepsy type 3. Last evaluated: 2022-01-06. Review status: criteria provided, single submitter. Criteria: Invitae Variant Classification Sherloc (09022015). Collection method: clinical testing. Allele origin: germline.
Comment: In summary, the available evidence is currently insufficient to determine the role of this variant in disease. Therefore, it has been classified as a Variant of Uncertain Significance. Algorithms developed to predict the effect of missense changes on protein structure and function are either unavailable or do not agree on the potential impact of this missense change (SIFT: "Deleterious"; PolyPhen-2: "Benign"; Align-GVGD: "Class C35"). This variant has not been reported in the literature in individuals affected with KCTD7-related conditions. This variant is not present in population databases (gnomAD no frequency). This sequence change replaces glutamic acid, which is acidic and polar, with aspartic acid, which is acidic and polar, at codon 51 of the KCTD7 protein (p.Glu51Asp).

NM_153033.5(KCTD7):c.153G>T (p.Glu51Asp)

Gene: KCTD7 (potassium channel tetramerization domain containing 7; plus strand). Cytogenetic location: 7q11.21.
Variant type: single nucleotide variant.
Coding change: c.153G>T on transcript NM_153033.5 (MANE Select); coding-DNA position 153, G replaced by T.
Protein change: p.Glu51Asp; replaces glutamic acid 51 with aspartic acid.
Molecular consequence: missense variant.
Genome position (GRCh38, 1-based): chr7:66,633,283, G>T. VCF-style: chr7-66633283-G-T. GRCh37 (hg19) VCF-style: chr7-66098270-G-T.
Other names: c.153G>T, p.Glu51Asp (NM_001167961.2); short protein forms E51D.
Identifiers: ClinVar variation 1441182 (VCV001441182.6), dbSNP rs2116763706, ClinGen allele CA367695451.